The following is an entry in ClinVar:

ClinVar aggregate classification (germline): Benign. Review status: criteria provided, multiple submitters, no conflicts (2 of 4 stars). 2 submissions from 2 submitters: Benign (2). Last evaluated 2018-01-12.

Conditions:
Glucocorticoid deficiency 2 (GCCD2). Also called: FAMILIAL GLUCOCORTICOID DEFICIENCY 2. Identifiers: Orphanet 361, MedGen C4049714, MONDO:0011826, OMIM 607398.

Allele frequency attached by ClinVar (database versions not stated): ESP Exome Variant Server 0.00408; gnomAD 0.00790; TOPMed 0.01046; 1000 Genomes Project 30x 0.02951; 1000 Genomes Project 0.03135.
gnomAD v4.1: 11,080 of 1,614,108 alleles (0.69%); highest among the groups gnomAD compares: East Asian, 9.9%; 432 homozygotes.

Submissions (2):

Illumina Laboratory Services, Illumina
Classification: Benign for Glucocorticoid deficiency 2. Last evaluated: 2018-01-12. Review status: criteria provided, single submitter. Criteria: ICSL Variant Classification Criteria 13 December 2019. Collection method: clinical testing. Allele origin: germline.
Comment: This variant was observed in the ICSL laboratory as part of a predisposition screen in an ostensibly healthy population. It had not been previously curated by ICSL or reported in the Human Gene Mutation Database (HGMD: prior to June 1st, 2018), and was therefore a candidate for classification through an automated scoring system. Utilizing variant allele frequency, disease prevalence and penetrance estimates, and inheritance mode, an automated score was calculated to assess if this variant is too frequent to cause the disease. Based on the score and internal cut-off values, a variant classified as benign is not then subjected to further curation. The score for this variant resulted in a classification of benign for this disease.

Breakthrough Genomics
Classification: Benign. Review status: criteria provided, single submitter. Criteria: ACMG Guidelines, 2015. Collection method: not provided. Allele origin: germline. Inheritance: Autosomal recessive inheritance. Affected: yes.

NM_001379228.1(MRAP):c.132G>T (p.Val44=)

Genes: MRAP (melanocortin 2 receptor accessory protein; plus strand), MRAP-AS1 (MRAP antisense RNA 1; minus strand), LOC125418060 (Sharpr-MPRA regulatory region 333; plus strand). Cytogenetic location: 21q22.11.
Variant type: single nucleotide variant.
Coding change: c.132G>T on transcript NM_001379228.1 (MANE Select); coding-DNA position 132, G replaced by T.
Protein change: p.Val44=; no amino-acid change (valine 44 retained).
Molecular consequence: synonymous variant. On other transcripts: 5 prime UTR variant (1).
Genome position (GRCh38, 1-based): chr21:32,306,665, G>T. VCF-style: chr21-32306665-G-T. GRCh37 (hg19) VCF-style: chr21-33678976-G-T.
Other names: c.-46G>T (NM_001285394.2); c.132G>T, p.Val44= (NM_178817.4, NM_206898.2).
Identifiers: ClinVar variation 339677 (VCV000339677.6), dbSNP rs17855142, ClinGen allele CA10000962.